The following is an entry in ClinVar:

ClinVar aggregate classification (germline): Uncertain significance (1 of 4 stars; one submission).

Submission:

Laboratory for Molecular Medicine, Mass General Brigham Personalized Medicine
Classification: Uncertain significance. Last evaluated: 2015-05-08. Review status: criteria provided, single submitter. Criteria: LMM Criteria. Collection method: clinical testing. Allele origin: germline. Observed: 1 variant allele.
Comment: Variant classified as Uncertain Significance - Favor Pathogenic. The p.Pro428_Gl u461del variant in CBL has not been previously reported in individuals with a RA Sopathy. This variant is a deletion of 33 amino acids at position 428 and is not predicted to alter the protein reading-frame. The region containing the 33 dele ted amino acids is conserved in mammals and across evolutionarily distant specie s, and while this is likely to affect the protein, the impact to protein functio n cannot be fully determined. In addition, other variants in this region have be en reported in individuals with Noonan-like features and/or JMML (Strullu 2013, Martinelli 2010, LMM unpublished data). In summary, while there is some suspicio n for a pathogenic role, the clinical significance of the p.Pro428_Glu461del var iant is uncertain.

Literature cited by the submitters: PubMed 23832011; PubMed 25283271; PubMed 23823657; PubMed 19571318.

NC_000011.10:g.119278565_119278666del

Gene: CBL (Cbl proto-oncogene; plus strand). Cytogenetic location: 11q23.3.
Variant type: Deletion.
Genome position: GRCh38: chr11:119,278,565-119,278,666. GRCh37 (hg19): chr11:119,149,275-119,149,376.
Other names: c.1283_1384del, p.Pro428_Glu461del (NM_005188.4).
Identifiers: ClinVar variation 228472 (VCV000228472.4), dbSNP rs1555230119, ClinGen allele CA10576831.